The following is an entry in ClinVar:

NC_000002.11:g.(?_29416090)_(30143525_?)dup

Gene: ALK (ALK receptor tyrosine kinase; minus strand). Cytogenetic location: 2p23.2-23.1.
Variant type: Duplication.
Identifiers: ClinVar variation 2425061 (VCV002425061.3).

ClinVar aggregate classification (germline): Uncertain significance (1 of 4 stars; one submission).

Conditions:
Neuroblastoma, susceptibility to, 3. Also called: ALK-Related Neuroblastic Tumor Susceptibility. Identifiers: Orphanet 635, MedGen C2751681, MONDO:0013083, OMIM 613014.

Submission:

Labcorp Genetics (formerly Invitae), Labcorp
Classification: Uncertain significance for Neuroblastoma, susceptibility to, 3. Last evaluated: 2022-09-21. Review status: criteria provided, single submitter. Criteria: Invitae Variant Classification Sherloc (09022015). Collection method: clinical testing. Allele origin: germline.
Comment: A copy number gain of the genomic region encompassing the full coding sequence of the ALK gene has been identified. The boundaries of this event are unknown as they extend beyond the assayed region for this gene and therefore may encompass additional genes. As the precise location of this event is unknown, it may be in tandem or it may be located elsewhere in the genome. This variant has not been reported in the literature in individuals affected with ALK-related conditions. Experimental studies and prediction algorithms are not available or were not evaluated, and the functional significance of this variant is currently unknown. In summary, the available evidence is currently insufficient to determine the role of this variant in disease. Therefore, it has been classified as a Variant of Uncertain Significance.